The following is an entry in ClinVar:

NM_152383.5(DIS3L2):c.2075A>G (p.Asn692Ser)

Gene: DIS3L2 (DIS3 like 3'-5' exoribonuclease 2; plus strand). Cytogenetic location: 2q37.1.
Variant type: single nucleotide variant.
Coding change: c.2075A>G on transcript NM_152383.5 (MANE Select); coding-DNA position 2075, A replaced by G.
Protein change: p.Asn692Ser; replaces asparagine 692 with serine.
Molecular consequence: missense variant. On other transcripts: non-coding transcript variant (2), intron variant (1).
Genome position (GRCh38, 1-based): chr2:232,333,904, A>G. VCF-style: chr2-232333904-A-G. GRCh37 (hg19) VCF-style: chr2-233198614-A-G.
Other names: c.1582-9441A>G (NM_001257281.2); short protein forms N692S.
Identifiers: ClinVar variation 1517155 (VCV001517155.6), dbSNP rs1295146723, ClinGen allele CA350977424.

ClinVar aggregate classification (germline): Uncertain significance (1 of 4 stars; one submission).

Conditions:
Perlman syndrome (PRLMNS). Identifiers: Orphanet 2849, MedGen C0796113, MONDO:0009965, OMIM 267000.

Allele frequency attached by ClinVar (database versions not stated): TOPMed 0.00001.
gnomAD v4.1: 1 of 1,612,884 alleles (0.000062%); highest among the groups gnomAD compares: Non-Finnish European, 0.000085%; no homozygotes.

Submission:

Labcorp Genetics (formerly Invitae), Labcorp
Classification: Uncertain significance for Perlman syndrome. Last evaluated: 2024-02-19. Review status: criteria provided, single submitter. Criteria: Invitae Variant Classification Sherloc (09022015). Collection method: clinical testing. Allele origin: germline.
Comment: This sequence change replaces asparagine, which is neutral and polar, with serine, which is neutral and polar, at codon 692 of the DIS3L2 protein (p.Asn692Ser). This variant is not present in population databases (gnomAD no frequency). This variant has not been reported in the literature in individuals affected with DIS3L2-related conditions. ClinVar contains an entry for this variant (Variation ID: 1517155). Advanced modeling of protein sequence and biophysical properties (such as structural, functional, and spatial information, amino acid conservation, physicochemical variation, residue mobility, and thermodynamic stability) performed at Invitae indicates that this missense variant is not expected to disrupt DIS3L2 protein function with a negative predictive value of 80%. RNA analysis performed to evaluate the impact of this missense change on mRNA splicing indicates it does not significantly alter splicing (Invitae). In summary, the available evidence is currently insufficient to determine the role of this variant in disease. Therefore, it has been classified as a Variant of Uncertain Significance.